The following is an entry in ClinVar:

ClinVar aggregate classification (germline): Pathogenic (1 of 4 stars; one submission).

Submission:

Medical Genetic Center, Changzhi Maternal and Child Health Care Hospital
Classification: Pathogenic. Last evaluated: 2025-12-10. Review status: criteria provided, single submitter. Criteria: ACMG/ClinGen CNV Guidelines, 2019. Collection method: clinical testing. Allele origin: unknown.
Comment: 2A:22q11.2 recurrent (DGS) region (proximal, A-B, A-C, or A-D) (includes TBX1)

GRCh38/hg38 22q11.21(chr22:18929330-21110475)x3

Genes: CCDC188 (coiled-coil domain containing 188; minus strand), AIFM3 (AIF family member 3; plus strand), ARVCF (ARVCF delta catenin family member; minus strand), C22orf39 (chromosome 22 open reading frame 39; minus strand), CDC45 (cell division cycle 45; plus strand) and 171 more. Cytogenetic location: 22q11.21.
Variant type: copy number gain.
Change: copy number 3 (three copies instead of two) of chr22:18,929,330-21,110,475 (2.18 Mb, GRCh38 coordinates, 1-based), cytogenetic band 22q11.21.
Identifiers: ClinVar variation 4796089 (VCV004796089.1).